The following is an entry in ClinVar:

NM_006659.4(TUBGCP2):c.117C>T (p.Tyr39=)

Gene: TUBGCP2 (tubulin gamma complex component 2; minus strand). Cytogenetic location: 10q26.3.
Variant type: single nucleotide variant.
Coding change: c.117C>T on transcript NM_006659.4 (MANE Select); coding-DNA position 117, C replaced by T.
Protein change: p.Tyr39=; no amino-acid change (tyrosine 39 retained).
Molecular consequence: synonymous variant. On other transcripts: non-coding transcript variant (1), intron variant (1).
Genome position (GRCh38, 1-based): chr10:133,302,825, G>A on the plus strand (C>T on the coding strand, the complement: TUBGCP2 is on the minus strand). VCF-style: chr10-133302825-G-A. GRCh37 (hg19) VCF-style: chr10-135116329-G-A.
Other names: c.117C>T, p.Tyr39= (NM_001256617.2); c.-240-2712C>T (NM_001256618.2).
Identifiers: ClinVar variation 4822126 (VCV004822126.4).

ClinVar aggregate classification (germline): Likely benign (1 of 4 stars; one submission).

gnomAD v4.1: 45 of 1,613,250 alleles (0.0028%); highest among the groups gnomAD compares: Middle Eastern, 0.037%; no homozygotes.

Submission:

CeGaT Center for Human Genetics Tuebingen
Classification: Likely benign. Last evaluated: 2026-01-01. Review status: criteria provided, single submitter. Criteria: CeGaT Center For Human Genetics Tuebingen Variant Classification Criteria Version 2. Collection method: clinical testing. Allele origin: germline. Affected: yes. Observed: 1 variant allele.
Comment: TUBGCP2: BP4, BP7